The following is an entry in ClinVar:

NM_001701.4(BAAT):c.-6A>T

Gene: BAAT (bile acid-CoA:amino acid N-acyltransferase; minus strand). Cytogenetic location: 9q31.1.
Variant type: single nucleotide variant.
Coding change: c.-6A>T on transcript NM_001701.4 (MANE Select); 6 bases upstream of the start codon, A replaced by T.
Molecular consequence: 5 prime UTR variant.
Genome position (GRCh38, 1-based): chr9:101,371,410, T>A on the plus strand (A>T on the coding strand, the complement: BAAT is on the minus strand). VCF-style: chr9-101371410-T-A. GRCh37 (hg19) VCF-style: chr9-104133692-T-A.
Other names: c.-6A>T (NM_001127610.2, NM_001374715.1, NM_001701.3).
Identifiers: ClinVar variation 195146 (VCV000195146.7), dbSNP rs181929679, ClinGen allele CA241433.

ClinVar aggregate classification (germline): Uncertain significance. Review status: criteria provided, single submitter (1 of 4 stars). 2 submissions from 2 submitters: Uncertain significance (1). 1 of the submissions does not count toward it. Last evaluated 2018-08-22.

Conditions:
BAAT-related disorder. Also called: BAAT-related condition.

Allele frequency attached by ClinVar (database versions not stated): 1000 Genomes Project 30x 0.00016; 1000 Genomes Project 0.00020; ESP Exome Variant Server 0.00038; gnomAD 0.00040 and 0.00043; TOPMed 0.00041.

Submissions (2):

Eurofins Ntd Llc (ga)
Classification: Uncertain significance. Last evaluated: 2018-08-22. Review status: criteria provided, single submitter. Criteria: EGL ClinVar v180209 classification definitions. Collection method: clinical testing. Allele origin: germline. Observed: 5 variant alleles, 5 heterozygotes.

PreventionGenetics, part of Exact Sciences
Classification: Likely benign for BAAT-related condition. Last evaluated: 2019-09-24. Review status: no assertion criteria provided. Collection method: clinical testing. Allele origin: germline. Not counted in ClinVar's aggregate classification.
Comment: This variant is classified as likely benign based on ACMG/AMP sequence variant interpretation guidelines (Richards et al. 2015 PMID: 25741868, with internal and published modifications).